The following is an entry in ClinVar:

ClinVar aggregate classification (germline): Uncertain significance (1 of 4 stars; one submission).

Conditions:
Juvenile polyposis syndrome (JPS). Identifiers: Orphanet 2929, MedGen C0345893, MONDO:0017380, OMIM 174900.

Submission:

Labcorp Genetics (formerly Invitae), Labcorp
Classification: Uncertain significance for Juvenile polyposis syndrome. Last evaluated: 2017-08-24. Review status: criteria provided, single submitter. Criteria: Invitae Variant Classification Sherloc (09022015). Collection method: clinical testing. Allele origin: germline.
Comment: This variant has not been reported in the literature in individuals with BMPR1A-related disease. This variant is not present in population databases (ExAC no frequency). This sequence change is an unknown transposable element insertion in intron 4 of the BMPR1A gene (c.230+11_230+12ins(?)). The exact size and sequence of the insertion cannot be determined by the current assay. It is not expected to directly change the encoded amino acid sequence of the BMPR1A protein. In summary, the available evidence is currently insufficient to determine the role of this variant in disease. Therefore, it has been classified as a Variant of Uncertain Significance. Experimental studies and prediction algorithms are not available for this variant, and the functional significance of the inserted nucleotides in this intron is currently unknown.

NM_004329.3(BMPR1A):c.224_225insTTTTTTTTTTTTTTTTTTTTTTTTTTTTTTTTTTNNNNNNNNNNNNNNNNNNNNNNNNNNNNNGCCGGCGGCTGCTCCTTGCCCTCGGGCCCCGCGGGGCCCGTCCGCTCCTCCAGCCGCTGCCTCCCGGGCGGCGCTCGCCGGCGCGGCGGCAAAGACTGCATGTAAGTA (p.Thr75_Cys76insPhePhePhePhePhePhePhePhePhePhePheXaaXaaXaaXaaXaaXaaXaaXaaXaaXaaProAlaAlaAlaProCysProArgAlaProArgGlyProSerAlaProProAlaAlaAlaSerArgAlaAlaLeuAlaGlyAlaAlaAlaLysThrAlaCysLysTer)

Gene: BMPR1A (bone morphogenetic protein receptor type 1A; plus strand). Cytogenetic location: 10q23.2.
Variant type: Insertion.
Coding change: c.224_225insTTTTTTTTTTTTTTTTTTTTTTTTTTTTTTTTTTNNNNNNNNNNNNNNNNNNNNNNNNNNNNNGCCGGCGGCTGCTCCTTGCCCTCGGGCCCCGCGGGGCCCGTCCGCTCCTCCAGCCGCTGCCTCCCGGGCGGCGCTCGCCGGCGCGGCGGCAAAGACTGCATGTAAGTA on transcript NM_004329.3 (MANE Select); coding-DNA positions 224 to 225, TTTTTTTTTTTTTTTTTTTTTTTTTTTTTTTTTTNNNNNNNNNNNNNNNNNNNNNNNNNNNNNGCCGGCGGCTGCTCCTTGCCCTCGGGCCCCGCGGGGCCCGTCCGCTCCTCCAGCCGCTGCCTCCCGGGCGGCGCTCGCCGGCGCGGCGGCAAAGACTGCATGTAAGTA inserted.
Protein change: p.Thr75_Cys76insPhePhePhePhePhePhePhePhePhePhePheXaaXaaXaaXaaXaaXaaXaaXaaXaaXaaProAlaAlaAlaProCysProArgAlaProArgGlyProSerAlaProProAlaAlaAlaSerArgAlaAlaLeuAlaGlyAlaAlaAlaLysThrAlaCysLysTer.
Molecular consequence: nonsense, inframe insertion.
Genome position: GRCh38: chr10:86,890,218-86,890,219. GRCh37 (hg19): chr10:88,649,975-88,649,976.
Identifiers: ClinVar variation 1025617 (VCV001025617.7), dbSNP rs1843128484.